The following is an entry in ClinVar:

NM_181458.4(PAX3):c.1087T>G (p.Phe363Val)

Genes: PAX3 (paired box 3; minus strand), LOC126806529 (CDK7 strongly-dependent group 2 enhancer GRCh37_chr2:223084735-223085934; plus strand). Cytogenetic location: 2q36.1.
Variant type: single nucleotide variant.
Coding change: c.1087T>G on transcript NM_181458.4 (MANE Select); coding-DNA position 1087, T replaced by G.
Protein change: p.Phe363Val; replaces phenylalanine 363 with valine.
Molecular consequence: missense variant.
Genome position (GRCh38, 1-based): chr2:222,220,226, A>C on the plus strand (T>G on the coding strand, the complement: PAX3 is on the minus strand). VCF-style: chr2-222220226-A-C. GRCh37 (hg19) VCF-style: chr2-223084945-A-C.
Other names: c.1084T>G, p.Phe362Val (NM_001127366.3); c.1087T>G, p.Phe363Val (NM_181457.4, NM_181459.4, NM_181460.4 and 1 more transcripts); short protein forms F362V, F363V.
Identifiers: ClinVar variation 5037158 (VCV005037158.1).

ClinVar aggregate classification (germline): Uncertain significance (1 of 4 stars; one submission).

gnomAD v4.1: 1 of 1,613,946 alleles (0.000062%); highest among the groups gnomAD compares: East Asian, 0.0022%; no homozygotes.

Submission:

GeneDx
Classification: Uncertain significance. Last evaluated: 2026-04-16. Review status: criteria provided, single submitter. Criteria: GeneDx Variant Classification Process June 2021. Collection method: clinical testing. Allele origin: germline.
Comment: Not observed at significant frequency in large population cohorts (gnomAD); In silico analysis supports that this missense variant has a deleterious effect on protein structure/function; Has not been previously published as pathogenic or benign to our knowledge